The following is an entry in ClinVar:

ClinVar aggregate classification (germline): Uncertain significance (1 of 4 stars; one submission).

Conditions:
Hereditary spastic paraplegia 53. Also called: Spastic paraplegia 53, autosomal recessive. Identifiers: Orphanet 319199, MedGen C3539494, MONDO:0013962, OMIM 614898.

Allele frequency attached by ClinVar (database versions not stated): gnomAD 0.00001 and 0.00002; TOPMed 0.00002; gnomAD exomes 0.00006; ESP Exome Variant Server 0.00008; ExAC 0.00013.
gnomAD v4.1: 43 of 1,612,594 alleles (0.0027%); highest among the groups gnomAD compares: Non-Finnish European, 0.0035%; no homozygotes.

Submission:

Labcorp Genetics (formerly Invitae), Labcorp
Classification: Uncertain significance for Hereditary spastic paraplegia 53. Last evaluated: 2021-09-01. Review status: criteria provided, single submitter. Criteria: Invitae Variant Classification Sherloc (09022015). Collection method: clinical testing. Allele origin: germline.
Comment: This sequence change replaces serine with asparagine at codon 289 of the VPS37A protein (p.Ser289Asn). The serine residue is moderately conserved and there is a small physicochemical difference between serine and asparagine. This variant is present in population databases (rs376210724, ExAC 0.02%). This variant has not been reported in the literature in individuals affected with VPS37A-related conditions. Algorithms developed to predict the effect of missense changes on protein structure and function (SIFT, PolyPhen-2, Align-GVGD) all suggest that this variant is likely to be tolerated. In summary, the available evidence is currently insufficient to determine the role of this variant in disease. Therefore, it has been classified as a Variant of Uncertain Significance.

NM_152415.3(VPS37A):c.866G>A (p.Ser289Asn)

Gene: VPS37A (VPS37A subunit of ESCRT-I; plus strand). Cytogenetic location: 8p22.
Variant type: single nucleotide variant.
Coding change: c.866G>A on transcript NM_152415.3 (MANE Select); coding-DNA position 866, G replaced by A.
Protein change: p.Ser289Asn; replaces serine 289 with asparagine.
Molecular consequence: missense variant.
Genome position (GRCh38, 1-based): chr8:17,280,263, G>A. VCF-style: chr8-17280263-G-A. GRCh37 (hg19) VCF-style: chr8-17137772-G-A.
Other names: c.791G>A, p.Ser264Asn (NM_001145152.2); c.866G>A, p.Ser289Asn (NM_001363167.1, NM_001363173.2); c.596G>A, p.Ser199Asn (NM_001363168.1, NM_001363169.1, NM_001363170.1 and 2 more transcripts); short protein forms S289N, S199N, S264N.
Identifiers: ClinVar variation 473068 (VCV000473068.3), dbSNP rs376210724, ClinGen allele CA4643530.
Genomic context (GRCh38, chr8:17,280,263, plus strand): 5'-CTTTACCTAGAAGTAAACTAGAGATTTATCTTACAGGAAAAAATCTCCTTTTGGAGCCCA[G>A]CTTGGAAGCCAAAAGACAAACTGTTTTAGATAAGGTGAGTTAGTGATAATTTTGAAGAAA-3'
Protein context (NP_689628.2, residues 279-299): LARKNLLLEP[Ser289Asn]LEAKRQTVLD